The following is an entry in ClinVar:

NM_012123.4(MTO1):c.1918-7T>G

Gene: MTO1 (mitochondrial tRNA translation optimization 1; plus strand). Cytogenetic location: 6q13.
Variant type: single nucleotide variant.
Coding change: c.1918-7T>G on transcript NM_012123.4 (MANE Select); 7 bases into the intron before coding-DNA position 1918, T replaced by G.
Molecular consequence: intron variant.
Genome position (GRCh38, 1-based): chr6:73,500,567, T>G. VCF-style: chr6-73500567-T-G. GRCh37 (hg19) VCF-style: chr6-74210290-T-G.
Other names: c.1993-7T>G (NM_133645.3); c.2038-7T>G (NM_001123226.2).
Identifiers: ClinVar variation 138278 (VCV000138278.17), dbSNP rs73452515, ClinGen allele CA292200.

ClinVar aggregate classification (germline): Benign. Review status: criteria provided, multiple submitters, no conflicts (2 of 4 stars). 4 submissions from 4 submitters: Benign (2). 2 of the submissions do not count toward it. Last evaluated 2026-02-03.

Conditions:
MTO1-related disorder. Also called: MTO1-related condition.
Mitochondrial hypertrophic cardiomyopathy with lactic acidosis due to MTO1 deficiency. Also called: CARDIOMYOPATHY, INFANTILE HYPERTROPHIC MITOCHONDRIAL, AND LACTIC ACIDOSIS; Combined oxidative phosphorylation deficiency 10. Identifiers: Orphanet 314637, MedGen C4749921, MONDO:0013865, OMIM 614702.

Allele frequency attached by ClinVar (database versions not stated): ExAC 0.01280; gnomAD 0.03979 and 0.04248; 1000 Genomes Project 0.04333; TOPMed 0.04486; ESP Exome Variant Server 0.04606; 1000 Genomes Project 30x 0.04778; gnomAD exomes 0.00396 and 0.01092.
gnomAD v4.1: 12,066 of 1,608,822 alleles (0.75%); highest among the groups gnomAD compares: African/African-American, 14%; 738 homozygotes.

Submissions 1 to 30 of 45:

Labcorp Genetics (formerly Invitae), Labcorp
Classification: Benign for Mitochondrial hypertrophic cardiomyopathy with lactic acidosis due to MTO1 deficiency. Last evaluated: 2026-02-03. Review status: criteria provided, single submitter. Criteria: Invitae Variant Classification Sherloc (09022015). Collection method: clinical testing. Allele origin: germline.

GeneDx
Classification: Benign. Last evaluated: 2013-12-13. Review status: criteria provided, single submitter. Criteria: GeneDx Variant Classification (06012015). Collection method: clinical testing. Allele origin: germline. Affected: yes.
Comment: This variant is considered likely benign or benign based on one or more of the following criteria: it is a conservative change, it occurs at a poorly conserved position in the protein, it is predicted to be benign by multiple in silico algorithms, and/or has population frequency not consistent with disease.

PreventionGenetics, part of Exact Sciences
Classification: Benign for MTO1-related condition. Last evaluated: 2020-01-09. Review status: no assertion criteria provided. Collection method: clinical testing. Allele origin: germline. Not counted in ClinVar's aggregate classification.
Comment: This variant is classified as benign based on ACMG/AMP sequence variant interpretation guidelines (Richards et al. 2015 PMID: 25741868, with internal and published modifications).

Mayo Clinic Laboratories, Mayo Clinic
Classification: Benign. Last evaluated: 2016-03-16. Review status: no assertion criteria provided. Collection method: clinical testing. Allele origin: unknown. Not counted in ClinVar's aggregate classification.

Dr. Peter K. Rogan Lab, Western University
No classification provided (evidence only). Condition: Lung cancer. Review status: no classification provided. Collection method: in vitro. Allele origin: not applicable. Functional consequence: retained intron. Not counted in ClinVar's aggregate classification.

Dr. Peter K. Rogan Lab, Western University
No classification provided (evidence only). Condition: Lung cancer. Review status: no classification provided. Collection method: in vitro. Allele origin: not applicable. Functional consequence: retained intron. Not counted in ClinVar's aggregate classification.

Dr. Peter K. Rogan Lab, Western University
No classification provided (evidence only). Condition: Lung cancer. Review status: no classification provided. Collection method: in vitro. Allele origin: not applicable. Functional consequence: retained intron. Not counted in ClinVar's aggregate classification.

Dr. Peter K. Rogan Lab, Western University
No classification provided (evidence only). Condition: Lung cancer. Review status: no classification provided. Collection method: in vitro. Allele origin: not applicable. Functional consequence: retained intron. Not counted in ClinVar's aggregate classification.

Dr. Peter K. Rogan Lab, Western University
No classification provided (evidence only). Condition: Lung cancer. Review status: no classification provided. Collection method: in vitro. Allele origin: not applicable. Functional consequence: retained intron. Not counted in ClinVar's aggregate classification.

Dr. Peter K. Rogan Lab, Western University
No classification provided (evidence only). Condition: Lung cancer. Review status: no classification provided. Collection method: in vitro. Allele origin: not applicable. Functional consequence: retained intron. Not counted in ClinVar's aggregate classification.

Dr. Peter K. Rogan Lab, Western University
No classification provided (evidence only). Condition: Familial cancer of breast. Review status: no classification provided. Collection method: in vitro. Allele origin: not applicable. Functional consequence: retained intron. Not counted in ClinVar's aggregate classification.

Dr. Peter K. Rogan Lab, Western University
No classification provided (evidence only). Condition: Acute myeloid leukemia. Review status: no classification provided. Collection method: in vitro. Allele origin: not applicable. Functional consequence: retained intron. Not counted in ClinVar's aggregate classification.

Dr. Peter K. Rogan Lab, Western University
No classification provided (evidence only). Condition: Acute myeloid leukemia. Review status: no classification provided. Collection method: in vitro. Allele origin: not applicable. Functional consequence: retained intron. Not counted in ClinVar's aggregate classification.

Dr. Peter K. Rogan Lab, Western University
No classification provided (evidence only). Condition: Acute myeloid leukemia. Review status: no classification provided. Collection method: in vitro. Allele origin: not applicable. Functional consequence: retained intron. Not counted in ClinVar's aggregate classification.

Dr. Peter K. Rogan Lab, Western University
No classification provided (evidence only). Condition: Uterine corpus endometrial carcinoma. Review status: no classification provided. Collection method: in vitro. Allele origin: not applicable. Functional consequence: retained intron. Not counted in ClinVar's aggregate classification.

Dr. Peter K. Rogan Lab, Western University
No classification provided (evidence only). Condition: Uterine corpus endometrial carcinoma. Review status: no classification provided. Collection method: in vitro. Allele origin: not applicable. Functional consequence: retained intron. Not counted in ClinVar's aggregate classification.

Dr. Peter K. Rogan Lab, Western University
No classification provided (evidence only). Condition: Uterine corpus endometrial carcinoma. Review status: no classification provided. Collection method: in vitro. Allele origin: not applicable. Functional consequence: retained intron. Not counted in ClinVar's aggregate classification.

Dr. Peter K. Rogan Lab, Western University
No classification provided (evidence only). Condition: Uterine corpus endometrial carcinoma. Review status: no classification provided. Collection method: in vitro. Allele origin: not applicable. Functional consequence: retained intron. Not counted in ClinVar's aggregate classification.

Dr. Peter K. Rogan Lab, Western University
No classification provided (evidence only). Condition: Uterine corpus endometrial carcinoma. Review status: no classification provided. Collection method: in vitro. Allele origin: not applicable. Functional consequence: retained intron. Not counted in ClinVar's aggregate classification.

Dr. Peter K. Rogan Lab, Western University
No classification provided (evidence only). Condition: Uterine corpus endometrial carcinoma. Review status: no classification provided. Collection method: in vitro. Allele origin: not applicable. Functional consequence: retained intron. Not counted in ClinVar's aggregate classification.

Dr. Peter K. Rogan Lab, Western University
No classification provided (evidence only). Condition: Uterine corpus endometrial carcinoma. Review status: no classification provided. Collection method: in vitro. Allele origin: not applicable. Functional consequence: retained intron. Not counted in ClinVar's aggregate classification.

Dr. Peter K. Rogan Lab, Western University
No classification provided (evidence only). Condition: Uterine corpus endometrial carcinoma. Review status: no classification provided. Collection method: in vitro. Allele origin: not applicable. Functional consequence: retained intron. Not counted in ClinVar's aggregate classification.

Dr. Peter K. Rogan Lab, Western University
No classification provided (evidence only). Condition: Uterine corpus endometrial carcinoma. Review status: no classification provided. Collection method: in vitro. Allele origin: not applicable. Functional consequence: retained intron. Not counted in ClinVar's aggregate classification.

Dr. Peter K. Rogan Lab, Western University
No classification provided (evidence only). Condition: Uterine corpus endometrial carcinoma. Review status: no classification provided. Collection method: in vitro. Allele origin: not applicable. Functional consequence: retained intron. Not counted in ClinVar's aggregate classification.

Dr. Peter K. Rogan Lab, Western University
No classification provided (evidence only). Condition: Uterine corpus endometrial carcinoma. Review status: no classification provided. Collection method: in vitro. Allele origin: not applicable. Functional consequence: retained intron. Not counted in ClinVar's aggregate classification.

Dr. Peter K. Rogan Lab, Western University
No classification provided (evidence only). Condition: Cervical cancer. Review status: no classification provided. Collection method: in vitro. Allele origin: not applicable. Functional consequence: retained intron. Not counted in ClinVar's aggregate classification.

Dr. Peter K. Rogan Lab, Western University
No classification provided (evidence only). Condition: Cervical cancer. Review status: no classification provided. Collection method: in vitro. Allele origin: not applicable. Functional consequence: retained intron. Not counted in ClinVar's aggregate classification.

Dr. Peter K. Rogan Lab, Western University
No classification provided (evidence only). Condition: Cervical cancer. Review status: no classification provided. Collection method: in vitro. Allele origin: not applicable. Functional consequence: retained intron. Not counted in ClinVar's aggregate classification.

Dr. Peter K. Rogan Lab, Western University
No classification provided (evidence only). Condition: Cervical cancer. Review status: no classification provided. Collection method: in vitro. Allele origin: not applicable. Functional consequence: retained intron. Not counted in ClinVar's aggregate classification.

Dr. Peter K. Rogan Lab, Western University
No classification provided (evidence only). Condition: Cervical cancer. Review status: no classification provided. Collection method: in vitro. Allele origin: not applicable. Functional consequence: retained intron. Not counted in ClinVar's aggregate classification.